The following is an entry in ClinVar:

ClinVar aggregate classification (germline): Uncertain significance. Review status: criteria provided, multiple submitters, no conflicts (2 of 4 stars). 4 submissions from 4 submitters: Uncertain significance (4). Last evaluated 2025-11-17.

Conditions:
Hereditary cancer-predisposing syndrome. Also called: Neoplastic Syndromes, Hereditary; Hereditary Cancer Syndrome; Tumor predisposition; Hereditary neoplastic syndrome. Identifiers: Orphanet 140162, MedGen C0027672, MeSH D009386, MONDO:0015356.
Breast-ovarian cancer, familial, susceptibility to, 4. Identifiers: Orphanet 145, MedGen C3280345, MONDO:0013669, OMIM 614291.

Allele frequency attached by ClinVar (database versions not stated): gnomAD exomes below 0.00001.
gnomAD v4.1: 2 of 1,612,004 alleles (0.00012%); highest among the groups gnomAD compares: African/African-American, 0.0027%; no homozygotes.

Submissions (4):

Ambry Genetics
Classification: Uncertain significance for Hereditary cancer-predisposing syndrome. Last evaluated: 2025-11-17. Review status: criteria provided, single submitter. Criteria: Ambry Variant Classification Scheme 2023. Collection method: clinical testing. Allele origin: germline.
Comment: The p.V6L variant (also known as c.16G>C), located in coding exon 1 of the RAD51D gene, results from a G to C substitution at nucleotide position 16. The valine at codon 6 is replaced by leucine, an amino acid with highly similar properties. This amino acid position is poorly conserved in available vertebrate species. In addition, this alteration is predicted to be tolerated by in silico analysis. Since supporting evidence is limited at this time, the clinical significance of this alteration remains unclear.

Labcorp Genetics (formerly Invitae), Labcorp
Classification: Uncertain significance for Breast-ovarian cancer, familial, susceptibility to, 4. Last evaluated: 2025-09-30. Review status: criteria provided, single submitter. Criteria: Invitae Variant Classification Sherloc (09022015). Collection method: clinical testing. Allele origin: germline.
Comment: This sequence change replaces valine, which is neutral and non-polar, with leucine, which is neutral and non-polar, at codon 6 of the RAD51D protein (p.Val6Leu). This variant is not present in population databases (gnomAD no frequency). This variant has not been reported in the literature in individuals affected with RAD51D-related conditions. ClinVar contains an entry for this variant (Variation ID: 928509). An algorithm developed to predict the effect of missense changes on protein structure and function (PolyPhen-2) suggests that this variant is likely to be tolerated. In summary, the available evidence is currently insufficient to determine the role of this variant in disease. Therefore, it has been classified as a Variant of Uncertain Significance.

Color Diagnostics, LLC DBA Color Health
Classification: Uncertain significance for Hereditary cancer-predisposing syndrome. Last evaluated: 2024-03-18. Review status: criteria provided, single submitter. Criteria: ACMG Guidelines, 2015. Collection method: clinical testing. Allele origin: germline.
Comment: This missense variant replaces valine with leucine at codon 6 of the RAD51D protein. Computational prediction suggests that this variant may not impact protein structure and function (internally defined REVEL score threshold <= 0.5, PMID: 27666373). To our knowledge, functional studies have not been reported for this variant. This variant has not been reported in individuals affected with RAD51D-related disorders in the literature. This variant has not been identified in the general population by the Genome Aggregation Database (gnomAD). The available evidence is insufficient to determine the role of this variant in disease conclusively. Therefore, this variant is classified as a Variant of Uncertain Significance.

Women's Health and Genetics/Laboratory Corporation of America, LabCorp
Classification: Uncertain significance. Last evaluated: 2019-10-04. Review status: criteria provided, single submitter. Criteria: LabCorp Variant Classification Summary - May 2015. Collection method: clinical testing. Allele origin: germline.
Comment: Variant summary: RAD51D c.16G>C (p.Val6Leu) results in a conservative amino acid change in the encoded protein sequence. Five of five in-silico tools predict a benign effect of the variant on protein function. The variant was absent in 247238 control chromosomes (gnomAD). The available data on variant occurrences in the general population are insufficient to allow any conclusion about variant significance. To our knowledge, no occurrence of c.16G>C in individuals affected with Hereditary Breast and Ovarian Cancer and no experimental evidence demonstrating its impact on protein function have been reported. No clinical diagnostic laboratories have submitted clinical-significance assessments for this variant to ClinVar after 2014. Based on the evidence outlined above, the variant was classified as uncertain significance.

NM_002878.4(RAD51D):c.16G>C (p.Val6Leu)

Genes: RAD51D (RAD51 paralog D; minus strand), RAD51L3-RFFL (RAD51L3-RFFL readthrough; minus strand). Cytogenetic location: 17q12.
Variant type: single nucleotide variant.
Coding change: c.16G>C on transcript NM_002878.4 (MANE Select); coding-DNA position 16, G replaced by C.
Protein change: p.Val6Leu; replaces valine 6 with leucine.
Molecular consequence: missense variant. On other transcripts: non-coding transcript variant (2).
Genome position (GRCh38, 1-based): chr17:35,119,598, C>G on the plus strand (G>C on the coding strand, the complement: RAD51D is on the minus strand). VCF-style: chr17-35119598-C-G. GRCh37 (hg19) VCF-style: chr17-33446617-C-G.
Other names: c.16G>C, p.Val6Leu (NM_001142571.2, NM_133629.3); short protein forms V6L.
Identifiers: ClinVar variation 928509 (VCV000928509.11), dbSNP rs368198698, ClinGen allele CA290007306.